The following is an entry in ClinVar:

NM_133433.4(NIPBL):c.7366A>G (p.Thr2456Ala)

Gene: NIPBL (NIPBL cohesin loading factor; plus strand). Cytogenetic location: 5p13.2.
Variant type: single nucleotide variant.
Coding change: c.7366A>G on transcript NM_133433.4 (MANE Select); coding-DNA position 7366, A replaced by G.
Protein change: p.Thr2456Ala; replaces threonine 2456 with alanine.
Molecular consequence: missense variant.
Genome position (GRCh38, 1-based): chr5:37,057,288, A>G. VCF-style: chr5-37057288-A-G. GRCh37 (hg19) VCF-style: chr5-37057390-A-G.
Other names: c.7366A>G, p.Thr2456Ala (NM_015384.5); short protein forms T2456A.
Identifiers: ClinVar variation 4055868 (VCV004055868.1).

ClinVar aggregate classification (germline): Uncertain significance (1 of 4 stars; one submission).

Submission:

GeneDx
Classification: Uncertain significance. Last evaluated: 2024-12-26. Review status: criteria provided, single submitter. Criteria: GeneDx Variant Classification Process June 2021. Collection method: clinical testing. Allele origin: germline. Affected: yes.
Comment: Not observed at significant frequency in large population cohorts (gnomAD); In silico analysis indicates that this missense variant does not alter protein structure/function; Has not been previously published as pathogenic or benign to our knowledge